The following is an entry in ClinVar:

NM_024675.4(PALB2):c.1276G>A (p.Glu426Lys)

Gene: PALB2 (partner and localizer of BRCA2; minus strand). Cytogenetic location: 16p12.2.
Variant type: single nucleotide variant.
Coding change: c.1276G>A on transcript NM_024675.4 (MANE Select); coding-DNA position 1276, G replaced by A.
Protein change: p.Glu426Lys; replaces glutamic acid 426 with lysine.
Molecular consequence: missense variant.
Genome position (GRCh38, 1-based): chr16:23,635,270, C>T on the plus strand (G>A on the coding strand, the complement: PALB2 is on the minus strand). VCF-style: chr16-23635270-C-T. GRCh37 (hg19) VCF-style: chr16-23646591-C-T.
Other names: short protein forms E426K.
Identifiers: ClinVar variation 1380237 (VCV001380237.7), dbSNP rs2142420693, ClinGen allele CA395132624.

ClinVar aggregate classification (germline): Uncertain significance (1 of 4 stars; one submission).

Conditions:
Familial cancer of breast. Also called: Hereditary breast cancer; BREAST CANCER, FAMILIAL; hereditary breast carcinoma. Identifiers: Orphanet 227535, MedGen C0346153, MONDO:0016419, OMIM 114480. Disease mechanism: loss of function.

Submission:

Labcorp Genetics (formerly Invitae), Labcorp
Classification: Uncertain significance for Familial cancer of breast. Last evaluated: 2021-09-09. Review status: criteria provided, single submitter. Criteria: Invitae Variant Classification Sherloc (09022015). Collection method: clinical testing. Allele origin: germline.
Comment: This variant is not present in population databases (ExAC no frequency). This sequence change replaces glutamic acid with lysine at codon 426 of the PALB2 protein (p.Glu426Lys). The glutamic acid residue is moderately conserved and there is a small physicochemical difference between glutamic acid and lysine. This variant has not been reported in the literature in individuals affected with PALB2-related conditions. Algorithms developed to predict the effect of missense changes on protein structure and function are either unavailable or do not agree on the potential impact of this missense change (SIFT: "Deleterious"; PolyPhen-2: "Probably Damaging"; Align-GVGD: "Class C0"). In summary, the available evidence is currently insufficient to determine the role of this variant in disease. Therefore, it has been classified as a Variant of Uncertain Significance.